The following is an entry in ClinVar:

ClinVar aggregate classification (germline): Pathogenic. Review status: criteria provided, single submitter (1 of 4 stars). 3 submissions from 2 submitters: Pathogenic (1). 2 of the submissions do not count toward it. Last evaluated 2024-09-24.

Conditions:
CDKL5 disorder. Identifiers: MedGen CN296942, MONDO:0100039.
Developmental and epileptic encephalopathy, 2 (DEE2). Also called: INFANTILE SPASM SYNDROME, X-LINKED 2; CDKL5 deficiency disorder. Identifiers: Orphanet 1934, Orphanet 3451, Orphanet 505652, MedGen C4750718, MONDO:0010396, OMIM 300672.

Submissions (3):

Centre for Population Genomics, CPG
Classification: Pathogenic for CDKL5 disorder. Last evaluated: 2024-09-24. Review status: criteria provided, single submitter. Criteria: McKnight et al. (Hum Mutat. 2022). Collection method: curation. Allele origin: germline. Inheritance: X-linked inheritance.
Comment: This variant has been collected from RettBASE and curated to current modified ACMG/AMP criteria. Based on the classification scheme defined by the ClinGen Rett/Angelman-like Expert Panel for Rett/AS-like Disorders Specifications to the ACMG/AMP Variant Interpretation Guidelines VCEP 3.0, this variant is classified as pathogenic. At least the following criteria are met: Predicted to result in loss of function, and LOF is a known mechanism of disease (PVS1). This variant is absent from gnomAD v4 (PM2_Supporting). Has been observed in at least 2 individuals with phenotypes consistent with CDKL5 disorder (PS4_Supporting). PMID:16611748 PMID:22670135 Variation ID: 156080

RettBASE
Classification: Pathogenic for Epileptic encephalopathy, early infantile, 2. Last evaluated: 2014-03-13. Review status: no assertion criteria provided. Collection method: curation. Allele origin: unknown. Affected: yes. Observed: 1 variant allele. Not counted in ClinVar's aggregate classification.
Comment: Predicted to cause exon 16 skipping

RettBASE
No classification provided. Review status: flagged submission. Collection method: not provided. Allele origin: not provided. Not counted in ClinVar's aggregate classification.
ClinVar note: Reason: This record appears to be redundant with a more recent record from the same submitter.
ClinVar note: Notes: SCV000189204 appears to be redundant with SCV000222327.

Literature cited by the submitters: PubMed 16611748 (cited by RettBASE).

NM_001323289.2(CDKL5):c.2376+1G>A

Gene: CDKL5 (cyclin dependent kinase like 5; plus strand). Cytogenetic location: Xp22.13.
Variant type: single nucleotide variant.
Coding change: c.2376+1G>A on transcript NM_001323289.2 (MANE Select); the canonical splice donor site of the intron after coding-DNA position 2376, G replaced by A.
Molecular consequence: splice donor variant.
Genome position (GRCh38, 1-based): chrX:18,619,967, G>A. VCF-style: chrX-18619967-G-A. GRCh37 (hg19) VCF-style: chrX-18638087-G-A.
Other names: c.2376+1G>A (NM_003159.3, NM_001037343.2).
Identifiers: ClinVar variation 156080 (VCV000156080.4), dbSNP rs267608656, ClinGen allele CA199390.